The following is an entry in ClinVar:

ClinVar aggregate classification (germline): Uncertain significance. Review status: criteria provided, multiple submitters, no conflicts (2 of 4 stars). 2 submissions from 2 submitters: Uncertain significance (2). Last evaluated 2022-01-06.

Conditions:
Inborn genetic diseases. Identifiers: MedGen C0950123, MeSH D030342.

Allele frequency attached by ClinVar (database versions not stated): gnomAD 0.00001; gnomAD exomes 0.00001 and 0.00003; TOPMed 0.00001.
gnomAD v4.1: 16 of 1,504,064 alleles (0.0011%); highest among the groups gnomAD compares: Middle Eastern, 0.022%; no homozygotes.

Submissions (2):

Labcorp Genetics (formerly Invitae), Labcorp
Classification: Uncertain significance. Last evaluated: 2022-01-06. Review status: criteria provided, single submitter. Criteria: Invitae Variant Classification Sherloc (09022015). Collection method: clinical testing. Allele origin: germline.
Comment: In summary, the available evidence is currently insufficient to determine the role of this variant in disease. Therefore, it has been classified as a Variant of Uncertain Significance. Algorithms developed to predict the effect of missense changes on protein structure and function output the following: SIFT: "Deleterious"; PolyPhen-2: "Benign"; Align-GVGD: "Class C0". The proline amino acid residue is found in multiple mammalian species, which suggests that this missense change does not adversely affect protein function. This variant has not been reported in the literature in individuals affected with P3H2-related conditions. The frequency data for this variant in the population databases is considered unreliable, as metrics indicate poor data quality at this position in the gnomAD database. This sequence change replaces leucine, which is neutral and non-polar, with proline, which is neutral and non-polar, at codon 14 of the P3H2 protein (p.Leu14Pro).

Ambry Genetics
Classification: Uncertain significance for Inborn genetic diseases. Last evaluated: 2021-10-12. Review status: criteria provided, single submitter. Criteria: Ambry Variant Classification Scheme 2023. Collection method: clinical testing. Allele origin: germline.

NM_018192.4(P3H2):c.41T>C (p.Leu14Pro)

Genes: P3H2 (prolyl 3-hydroxylase 2; minus strand), LOC123464484 (Sharpr-MPRA regulatory region 10063; plus strand). Cytogenetic location: 3q28.
Variant type: single nucleotide variant.
Coding change: c.41T>C on transcript NM_018192.4 (MANE Select); coding-DNA position 41, T replaced by C.
Protein change: p.Leu14Pro; replaces leucine 14 with proline.
Molecular consequence: missense variant. On other transcripts: intron variant (1).
Genome position (GRCh38, 1-based): chr3:190,120,691, A>G on the plus strand (T>C on the coding strand, the complement: P3H2 is on the minus strand). VCF-style: chr3-190120691-A-G. GRCh37 (hg19) VCF-style: chr3-189838480-A-G.
Other names: c.-64+1512T>C (NM_001134418.2); c.41T>C (NM_018192.3); short protein forms L14P.
Identifiers: ClinVar variation 1416747 (VCV001416747.5), dbSNP rs778614714, ClinGen allele CA2753452.
Genomic context (GRCh38, chr3:190,120,691, plus strand): 5'-AGCTCCCGGCGTGGGCTGTCCGGGGGGCCGCCCCACAGTGGCGGCGGCAGTAGCAGCGGC[A>G]GCAGCAGCAGCAGCGGCGGCGCCCAGATGCGCTCCCGCATCCTCCGCCTCAGAGAGGCGC-3'
Protein context (NP_060662.2, residues 4-24): RIWAPPLLLL[Leu14Pro]PLLLPPPLWG